The following is an entry in ClinVar:

ClinVar aggregate classification (germline): Pathogenic. Review status: criteria provided, multiple submitters, no conflicts (2 of 4 stars). 3 submissions from 3 submitters: Pathogenic (3). Last evaluated 2026-04-09.

Conditions:
Hereditary nonpolyposis colorectal neoplasms. Identifiers: MedGen C0009405, MeSH D003123.
Hereditary cancer-predisposing syndrome. Also called: Hereditary Cancer Syndrome; Tumor predisposition; Hereditary neoplastic syndrome; Neoplastic Syndromes, Hereditary. Identifiers: Orphanet 140162, MedGen C0027672, MeSH D009386, MONDO:0015356.
Lynch syndrome 4 (LYNCH4). Also called: Colorectal cancer, hereditary nonpolyposis, type 4; Hereditary non-polyposis colorectal cancer, type 4. Identifiers: Orphanet 144, MedGen C1838333, MONDO:0013699, OMIM 614337. Disease mechanism: loss of function.

Submissions (3):

Ambry Genetics
Classification: Pathogenic for Hereditary cancer-predisposing syndrome. Last evaluated: 2026-04-09. Review status: criteria provided, single submitter. Criteria: Ambry Variant Classification Scheme 2023. Collection method: clinical testing. Allele origin: germline.
Comment: The c.1579delA pathogenic mutation, located in coding exon 11 of the PMS2 gene, results from a deletion of one nucleotide at nucleotide position 1579, causing a translational frameshift with a predicted alternate stop codon (p.R527Gfs*68). This variant has been identified in conjunction with other PMS2 variant(s) in individual(s) with features consistent with PMS2-related constitutional mismatch repair deficiency (Lavoine N et al. J Med Genet, 2015 Nov;52:770-8). This variant is considered to be rare based on population cohorts in the Genome Aggregation Database (gnomAD). This alteration is expected to result in loss of function by premature protein truncation or nonsense-mediated mRNA decay. As such, this variant is interpreted as a disease-causing mutation.

Myriad Genetics, Inc.
Classification: Pathogenic for Lynch syndrome 4. Last evaluated: 2023-09-20. Review status: criteria provided, single submitter. Criteria: Myriad Autosomal Dominant, Autosomal Recessive and X-Linked Classification Criteria (2023). Collection method: clinical testing. Allele origin: unknown.
Comment: This variant is considered pathogenic. This variant creates a frameshift predicted to result in premature protein truncation.

Labcorp Genetics (formerly Invitae), Labcorp
Classification: Pathogenic for Hereditary nonpolyposis colorectal neoplasms. Last evaluated: 2020-01-11. Review status: criteria provided, single submitter. Criteria: Invitae Variant Classification Sherloc (09022015). Collection method: clinical testing. Allele origin: germline.
Comment: For these reasons, this variant has been classified as Pathogenic. Loss-of-function variants in PMS2 are known to be pathogenic (PMID: 21376568, 24362816). This variant has been reported in compound heterozygosity with another pathogenic PMS2 allele in an individual affected with constitutional mismatch repair deficiency (CMMRD) (PMID: 26318770). ClinVar contains an entry for this variant (Variation ID: 455662). This variant is not present in population databases (ExAC no frequency). This sequence change creates a premature translational stop signal (p.Arg527Glyfs*68) in the PMS2 gene. It is expected to result in an absent or disrupted protein product.

Literature cited by the submitters: PubMed 26318770 (cited by Ambry Genetics and Labcorp Genetics (formerly Invitae), Labcorp); PubMed 21376568 (cited by Labcorp Genetics (formerly Invitae), Labcorp); PubMed 24362816 (cited by Labcorp Genetics (formerly Invitae), Labcorp).

NM_000535.7(PMS2):c.1579del (p.Arg527fs)

Gene: PMS2 (PMS1 homolog 2, mismatch repair system component; minus strand). Cytogenetic location: 7p22.1.
Variant type: Deletion.
Coding change: c.1579del on transcript NM_000535.7 (MANE Select); coding-DNA position 1579, one base deleted (A; older notation c.1579delA).
Protein change: p.Arg527fs; shifts the reading frame from arginine 527.
Molecular consequence: frameshift variant. On other transcripts: non-coding transcript variant (1).
Genome position (GRCh38, 1-based): chr7:5,987,186, T deleted on the plus strand (A on the coding strand, the reverse complement: PMS2 is on the minus strand). VCF-style (leftmost placement, unchanged base first): chr7-5987185-CT-C. GRCh37 (hg19) VCF-style: chr7-6026816-CT-C.
Other names: c.1174del, p.Arg392fs (NM_001322003.2, NM_001322004.2, NM_001322005.2 and 1 more transcripts); c.1423del, p.Arg475fs (NM_001322006.2); c.1261del, p.Arg421fs (NM_001322007.2, NM_001322008.2); c.1018del, p.Arg340fs (NM_001322010.2); c.646del, p.Arg216fs (NM_001322011.2, NM_001322012.2); c.1006del, p.Arg336fs (NM_001322013.2); c.1579del, p.Arg527fs (NM_001322014.2); c.1270del, p.Arg424fs (NM_001322015.2); short protein forms R336fs, R340fs, R421fs, R527fs, R216fs, R424fs, R392fs, R475fs.
Identifiers: ClinVar variation 455662 (VCV000455662.10), dbSNP rs1554297523, ClinGen allele CA658655975.